The following is an entry in ClinVar:

ClinVar aggregate classification (germline): other (0 of 4 stars; one submission).

Conditions:
Familial colorectal cancer. Identifiers: MedGen CN280943, MONDO:0023113. Disease mechanism: loss of function.

Submission:

Systems Biology Platform Zhejiang California International NanoSystems Institute
Classification: other for Familial colorectal cancer. Review status: no assertion criteria provided. Collection method: not provided. Allele origin: unknown.
ClinVar note: Converted during submission from cancer to other.

NM_000038.6(APC):c.646-754G>A

Gene: APC (APC regulator of WNT signaling pathway; plus strand). Cytogenetic location: 5q22.2.
Variant type: single nucleotide variant.
Coding change: c.646-754G>A on transcript NM_000038.6 (MANE Select); 754 bases into the intron before coding-DNA position 646, G replaced by A.
Molecular consequence: intron variant.
Genome position (GRCh38, 1-based): chr5:112,791,692, G>A. VCF-style: chr5-112791692-G-A. GRCh37 (hg19) VCF-style: chr5-112127389-G-A.
Other names: c.646-754G>A (NM_001354895.2, NM_001127510.3, NM_001354896.2 and 1 more transcripts); c.676-754G>A (NM_001354897.2, NM_001354902.2); c.676-9587G>A (NM_001127511.3); c.571-754G>A (NM_001354898.2, NM_001354904.2); c.-390-754G>A (NM_001354906.2); c.646-9587G>A (NM_001354899.2); c.469-754G>A (NM_001354900.2, NM_001354901.2, NM_001354905.2).
Identifiers: ClinVar variation 83000 (VCV000083000.2), dbSNP rs80316501, ClinGen allele CA012112.
Genomic context (GRCh38, chr5:112,791,692, plus strand): 5'-ACGAAACCAGTCCCTGGTGCCAAAAAGGTTGGGGACCCTGATATTTATTAAAACAAATCA[G>A]ATGTTCTTTCCCTTTACTGGTATACTATGTTTATATAAATTTATTATATTGTATTAATGT-3'